The following is an entry in ClinVar:

NM_001943.5(DSG2):c.2593A>C (p.Thr865Pro)

Genes: DSG2-AS1 (DSG2 antisense RNA 1; minus strand), DSG2 (desmoglein 2; plus strand). Cytogenetic location: 18q12.1.
Variant type: single nucleotide variant.
Coding change: c.2593A>C on transcript NM_001943.5 (MANE Select); coding-DNA position 2593, A replaced by C.
Protein change: p.Thr865Pro; replaces threonine 865 with proline.
Molecular consequence: missense variant.
Genome position (GRCh38, 1-based): chr18:31,545,979, A>C. VCF-style: chr18-31545979-A-C. GRCh37 (hg19) VCF-style: chr18-29125942-A-C.
Other names: c.2593A>C (LRG_397t1); short protein forms T865P.
Identifiers: ClinVar variation 424575 (VCV000424575.10), dbSNP rs866344768, ClinGen allele CA16620682.

ClinVar aggregate classification (germline): Conflicting classifications of pathogenicity. Review status: criteria provided, conflicting classifications (1 of 4 stars). 4 submissions from 4 submitters: Uncertain significance (3); Likely benign (1). Last evaluated 2024-10-28.

Conditions:
Cardiomyopathy (CMYO). Also called: Cardiomyopathies. Identifiers: Orphanet 167848, MedGen C0878544, MONDO:0004994, HP:0001638. Inheritance: Various modes of inheritance.
Arrhythmogenic right ventricular dysplasia 10. Also called: Arrhythmogenic Right Ventricular Dysplasia/Cardiomyopathy10; ARRHYTHMOGENIC RIGHT VENTRICULAR DYSPLASIA, FAMILIAL, 10; Arrhythmogenic right ventricular dysplasia/cardiomyopathy, type 10. Identifiers: MedGen C1857777, MONDO:0012434, OMIM 610193.

Allele frequency attached by ClinVar (database versions not stated): gnomAD exomes below 0.00001.
gnomAD v4.1: 2 of 1,614,216 alleles (0.00012%); highest among the groups gnomAD compares: Middle Eastern, 0.033%; no homozygotes.

Submissions (4):

Labcorp Genetics (formerly Invitae), Labcorp
Classification: Uncertain significance for Arrhythmogenic right ventricular dysplasia 10. Last evaluated: 2024-10-28. Review status: criteria provided, single submitter. Criteria: Invitae Variant Classification Sherloc (09022015). Collection method: clinical testing. Allele origin: germline.
Comment: This sequence change replaces threonine, which is neutral and polar, with proline, which is neutral and non-polar, at codon 865 of the DSG2 protein (p.Thr865Pro). This variant is not present in population databases (gnomAD no frequency). This variant has not been reported in the literature in individuals affected with DSG2-related conditions. ClinVar contains an entry for this variant (Variation ID: 424575). Invitae Evidence Modeling of protein sequence and biophysical properties (such as structural, functional, and spatial information, amino acid conservation, physicochemical variation, residue mobility, and thermodynamic stability) indicates that this missense variant is not expected to disrupt DSG2 protein function with a negative predictive value of 95%. In summary, the available evidence is currently insufficient to determine the role of this variant in disease. Therefore, it has been classified as a Variant of Uncertain Significance.

Color Diagnostics, LLC DBA Color Health
Classification: Uncertain significance for Cardiomyopathy. Last evaluated: 2023-12-05. Review status: criteria provided, single submitter. Criteria: ACMG Guidelines, 2015. Collection method: clinical testing. Allele origin: germline.
Comment: Variant of Uncertain Significance due to insufficient evidence: This missense variant is located in the cytoplasmic domain of the DSG2 protein. Computational prediction tools and conservation analyses suggest that this variant may not impact the protein function. Computational splicing tools suggest that this variant may not impact RNA splicing. To our knowledge, functional assays have not been performed for this variant nor has this variant been reported in individuals affected with cardiovascular disorders in the literature. This variant is rare in the general population and has been identified in 0/277264 chromosomes by the Genome Aggregation Database (gnomAD). Available evidence is insufficient to determine the pathogenicity of this variant conclusively.

Blueprint Genetics
Classification: Likely benign. Last evaluated: 2021-11-10. Review status: criteria provided, single submitter. Criteria: ACMG Guidelines, 2015. Collection method: clinical testing. Allele origin: germline.

GeneDx
Classification: Uncertain significance. Last evaluated: 2017-03-27. Review status: criteria provided, single submitter. Criteria: GeneDx Variant Classification (06012015). Collection method: clinical testing. Allele origin: germline. Affected: yes.
Comment: A variant of uncertain significance has been identified in the DSG2 gene. The T865P variant has not been published as pathogenic or been reported as benign to our knowledge. This variant is not observed in large population cohorts (Lek et al., 2016; 1000 Genomes Consortium et al., 2015; Exome Variant Server). The T865P variant is a non-conservative amino acid substitution, which is likely to impact secondary protein structure as these residues differ in polarity, charge, size and/or other properties. However, this substitution occurs at a position that is not conserved across species and where proline is the wild type in several species. Finally, in silico analysis predicts this variant likely does not alter the protein structure/function.